The following is an entry in ClinVar:

NM_004130.4(GYG1):c.403G>A (p.Gly135Arg)

Gene: GYG1 (glycogenin 1; plus strand). Cytogenetic location: 3q24.
Variant type: single nucleotide variant.
Coding change: c.403G>A on transcript NM_004130.4 (MANE Select); coding-DNA position 403, G replaced by A.
Protein change: p.Gly135Arg; replaces glycine 135 with arginine.
Molecular consequence: missense variant.
Genome position (GRCh38, 1-based): chr3:148,996,826, G>A. VCF-style: chr3-148996826-G-A. GRCh37 (hg19) VCF-style: chr3-148714613-G-A.
Other names: p.Gly135Arg; c.403G>A (NM_004130.3); c.403G>A, p.Gly135Arg (NM_001184720.2, NM_001184721.2); short protein forms G135R.
Identifiers: ClinVar variation 1381640 (VCV001381640.8), dbSNP rs566956486, ClinGen allele CA2658552.

ClinVar aggregate classification (germline): Conflicting classifications of pathogenicity. Review status: criteria provided, conflicting classifications (1 of 4 stars). 4 submissions from 4 submitters: Likely pathogenic (2); Uncertain significance (2). Last evaluated 2024-09-05.

Conditions:
GYG1-related disorders.
Polyglucosan body myopathy type 2. Identifiers: Orphanet 456369, MedGen C4015452, MONDO:0014526, OMIM 616199.
Glycogen storage disease XV (GSD15). Also called: GLYCOGENIN DEFICIENCY; GSD XV. Identifiers: Orphanet 263297, MedGen C3150754, MONDO:0013291, OMIM 613507.

Allele frequency attached by ClinVar (database versions not stated): gnomAD 0.00001; ExAC 0.00002; gnomAD exomes 0.00002 and 0.00003; TOPMed 0.00002; 1000 Genomes Project 30x 0.00016; 1000 Genomes Project 0.00020.

Submissions (4):

Blueprint Genetics
Classification: Likely pathogenic for GYG1-related disorders. Last evaluated: 2024-09-05. Review status: criteria provided, single submitter. Criteria: ACMG Guidelines, 2015. Collection method: clinical testing. Allele origin: germline. Affected: yes. Observed: 4 variant alleles.

Mayo Clinic Laboratories, Mayo Clinic
Classification: Uncertain significance. Last evaluated: 2023-03-23. Review status: criteria provided, single submitter. Criteria: ACMG Guidelines, 2015. Collection method: clinical testing. Allele origin: germline. Observed: 1 variant allele.
Comment: PP3, PM2

Labcorp Genetics (formerly Invitae), Labcorp
Classification: Uncertain significance for Polyglucosan body myopathy type 2; Glycogen storage disease XV. Last evaluated: 2022-07-29. Review status: criteria provided, single submitter. Criteria: Invitae Variant Classification Sherloc (09022015). Collection method: clinical testing. Allele origin: germline.
Comment: This missense change has been observed in individual(s) with clinical features of glycogen storage disease XV (PMID: 29143313). Experimental studies have shown that this missense change affects GYG1 function (PMID: 29143313). Algorithms developed to predict the effect of missense changes on protein structure and function (SIFT, PolyPhen-2, Align-GVGD) all suggest that this variant is likely to be disruptive. ClinVar contains an entry for this variant (Variation ID: 1381640). Algorithms developed to predict the effect of sequence changes on RNA splicing suggest that this variant may create or strengthen a splice site. This variant is present in population databases (rs566956486, gnomAD 0.006%). This sequence change replaces glycine, which is neutral and non-polar, with arginine, which is basic and polar, at codon 135 of the GYG1 protein (p.Gly135Arg). In summary, the available evidence is currently insufficient to determine the role of this variant in disease. Therefore, it has been classified as a Variant of Uncertain Significance.

Juno Genomics, Hangzhou Juno Genomics, Inc
Classification: Likely pathogenic for Glycogen storage disease XV; Polyglucosan body myopathy type 2. Review status: criteria provided, single submitter. Criteria: ACMG Guidelines, 2015. Collection method: clinical testing. Allele origin: germline.
Comment: Absent from controls (or at extremely low frequency if recessive) in Genome Aggregation Database.;Well-established in vitro or in vivo functional studies supportive of a damaging effect on the gene or gene product.;For recessive disorders, detected in trans with a pathogenic variant.;Co-segregation with disease in multiple affected family members.

Literature cited by the submitters: PubMed 29143313 (cited by Mayo Clinic Laboratories, Mayo Clinic and Labcorp Genetics (formerly Invitae), Labcorp).